The following is an entry in ClinVar:

ClinVar aggregate classification (germline): Uncertain significance (1 of 4 stars; one submission).

Conditions:
Familial hypercholesterolemia. Also called: Familial hypercholesterolaemia. Identifiers: MedGen C0020445, MONDO:0005439.

Submission:

Color Diagnostics, LLC DBA Color Health
Classification: Uncertain significance for Familial hypercholesterolemia. Last evaluated: 2024-03-07. Review status: criteria provided, single submitter. Criteria: ACMG Guidelines, 2015. Collection method: clinical testing. Allele origin: germline.
Comment: This variant replaces threonine with serine at codon 664 of the PCSK9 protein. Computational prediction suggests that this variant may not impact protein structure and function (internally defined REVEL score threshold <= 0.5, PMID: 27666373). To our knowledge, functional studies have not been reported for this variant. This variant has not been reported in individuals affected with familial hypercholesterolemia in the literature. This variant has not been identified in the general population by the Genome Aggregation Database (gnomAD). The available evidence is insufficient to determine the role of this variant in disease conclusively. Therefore, this variant is classified as a Variant of Uncertain Significance.

NM_174936.4(PCSK9):c.1989_1990delinsCT (p.Thr664Ser)

Gene: PCSK9 (proprotein convertase subtilisin/kexin type 9; plus strand). Cytogenetic location: 1p32.3.
Variant type: Indel.
Coding change: c.1989_1990delinsCT on transcript NM_174936.4 (MANE Select); coding-DNA positions 1989 to 1990, TA replaced by CT.
Protein change: p.Thr664Ser; replaces threonine 664 with serine.
Molecular consequence: missense variant.
Genome position (GRCh38, 1-based): chr1:55,063,494-55,063,495, TA replaced by CT. VCF-style: chr1-55063494-TA-CT. GRCh37 (hg19) VCF-style: chr1-55529167-TA-CT.
Other names: c.2112_2113delTAinsCT, p.Thr705Ser (NM_001407240.1); c.2031_2032delTAinsCT, p.Thr678Ser (NM_001407241.1); c.1992_1993delTAinsCT, p.Thr665Ser (NM_001407242.1); c.1932_1933delTAinsCT, p.Thr645Ser (NM_001407243.1); c.1815_1816delTAinsCT, p.Thr606Ser (NM_001407244.1); c.1797_1798delTAinsCT, p.Thr600Ser (NM_001407245.1); c.1614_1615delTAinsCT, p.Thr539Ser (NM_001407246.1); c.1488_1489delTAinsCT, p.Thr497Ser (NM_001407247.1); and 1 more; short protein forms T664S, T497S, T606S, T665S, T600S, T645S, T678S, T539S.
Identifiers: ClinVar variation 1172367 (VCV001172367.4), dbSNP rs2100344108, ClinGen allele CA2499214815.
Genomic context (GRCh38, chr1:55,063,494, plus strand): 5'-CGTCCTGGGGGCCTACGCCGTAGACAACACGTGTGTAGTCAGGAGCCGGGACGTCAGCAC[TA>CT]CAGGCAGCACCAGCGAAGGGGCCGTGACAGCCGTTGCCATCTGCTGCCGGAGCCGGCACC-3'
Protein context (NP_777596.2, residues 654-674): CVVRSRDVST[Thr664Ser]GSTSEGAVTA